The following is an entry in ClinVar:

NM_019066.5(MAGEL2):c.2530G>A (p.Ala844Thr)

Gene: MAGEL2 (MAGE family member L2; minus strand). Cytogenetic location: 15q11.2.
Variant type: single nucleotide variant.
Coding change: c.2530G>A on transcript NM_019066.5 (MANE Select); coding-DNA position 2530, G replaced by A.
Protein change: p.Ala844Thr; replaces alanine 844 with threonine.
Molecular consequence: missense variant.
Genome position (GRCh38, 1-based): chr15:23,645,213, C>T on the plus strand (G>A on the coding strand, the complement: MAGEL2 is on the minus strand). VCF-style: chr15-23645213-C-T. GRCh37 (hg19) VCF-style: chr15-23890360-C-T.
Other names: short protein forms A844T.
Identifiers: ClinVar variation 2711159 (VCV002711159.3), dbSNP rs2503976939, ClinGen allele CA391330967.
Genomic context (GRCh38, chr15:23,645,213, plus strand): 5'-CCTGGGGGGCAGCTGCTGTAGCCATCAGGAAGGTGGGCACTGCCTGCGATGCCTTTGAGG[C>T]ATTCATATTGGGCTGTGGGACCCATGGAACTGCAGGCAGGGCCTCTACACAGGCAAAGGG-3'
Protein context (NP_061939.3, residues 834-854): VPWVPQPNMN[Ala844Thr]SKASQAVPTF

ClinVar aggregate classification (germline): Uncertain significance (1 of 4 stars; one submission).

Allele frequency attached by ClinVar (database versions not stated): gnomAD exomes below 0.00001.
gnomAD v4.1: 1 of 1,613,896 alleles (0.000062%); highest among the groups gnomAD compares: Non-Finnish European, 0.000085%; no homozygotes.

Submission:

Labcorp Genetics (formerly Invitae), Labcorp
Classification: Uncertain significance. Last evaluated: 2024-01-24. Review status: criteria provided, single submitter. Criteria: Invitae Variant Classification Sherloc (09022015). Collection method: clinical testing. Allele origin: germline.
Comment: This sequence change replaces alanine, which is neutral and non-polar, with threonine, which is neutral and polar, at codon 844 of the MAGEL2 protein (p.Ala844Thr). This variant is not present in population databases (gnomAD no frequency). This variant has not been reported in the literature in individuals affected with MAGEL2-related conditions. Advanced modeling of protein sequence and biophysical properties (such as structural, functional, and spatial information, amino acid conservation, physicochemical variation, residue mobility, and thermodynamic stability) performed at Invitae indicates that this missense variant is not expected to disrupt MAGEL2 protein function with a negative predictive value of 80%. In summary, the available evidence is currently insufficient to determine the role of this variant in disease. Therefore, it has been classified as a Variant of Uncertain Significance.